The following is an entry in ClinVar:

NM_033380.3(COL4A5):c.3391G>A (p.Gly1131Arg)

Gene: COL4A5 (collagen type IV alpha 5 chain; plus strand). Cytogenetic location: Xq22.3.
Variant type: single nucleotide variant.
Coding change: c.3391G>A on transcript NM_033380.3 (MANE Select); coding-DNA position 3391, G replaced by A.
Protein change: p.Gly1131Arg; replaces glycine 1131 with arginine.
Molecular consequence: missense variant.
Genome position (GRCh38, 1-based): chrX:108,665,524, G>A. VCF-style: chrX-108665524-G-A. GRCh37 (hg19) VCF-style: chrX-107908754-G-A.
Other names: c.3391G>A, p.Gly1131Arg (NM_000495.5); short protein forms G1131R.
Identifiers: ClinVar variation 5003818 (VCV005003818.1).

ClinVar aggregate classification (germline): Likely pathogenic (1 of 4 stars; one submission).

Conditions:
X-linked Alport syndrome (ATS1). Also called: COL4A5-Related Nephropathy; NEPHROPATHY AND DEAFNESS, X-LINKED. Identifiers: Orphanet 63, Orphanet 88917, MedGen C4746986, MONDO:0010520, OMIM 301050.

Submission:

Myriad Genetics, Inc.
Classification: Likely pathogenic for X-linked Alport syndrome. Last evaluated: 2026-06-29. Review status: criteria provided, single submitter. Criteria: Myriad Autosomal Dominant, Autosomal Recessive and X-Linked Classification Criteria (2023). Collection method: clinical testing. Allele origin: unknown.
Comment: NM_000495.4(COL4A5):c.3391G>A(G1131R) is a missense variant classified as likely pathogenic in the context of X-linked Alport syndrome. G1131R has been observed in a case with relevant disease (PMID: 33040356). Relevant functional assessments of this variant are not available in the literature. Internal structural analysis of the variant is supportive of pathogenicity. G1131R has not been observed in referenced population frequency databases. In summary, NM_000495.4(COL4A5):c.3391G>A(G1131R) is a missense variant that has internal structural support for pathogenicity and has been observed more frequently in cases with the relevant disease than in healthy populations. Please note: this variant was assessed in the context of healthy population screening.

Literature cited by the submitters: PubMed 33040356.